The following is an entry in ClinVar:

NM_004260.4(RECQL4):c.1718A>G (p.Gln573Arg)

Gene: RECQL4 (RecQ like helicase 4; minus strand). Cytogenetic location: 8q24.3.
Variant type: single nucleotide variant.
Coding change: c.1718A>G on transcript NM_004260.4 (MANE Select); coding-DNA position 1718, A replaced by G.
Protein change: p.Gln573Arg; replaces glutamine 573 with arginine.
Molecular consequence: missense variant.
Genome position (GRCh38, 1-based): chr8:144,514,349, T>C on the plus strand (A>G on the coding strand, the complement: RECQL4 is on the minus strand). VCF-style: chr8-144514349-T-C. GRCh37 (hg19) VCF-style: chr8-145739733-T-C.
Other names: c.1718A>G (NM_004260.3); short protein forms Q573R.
Identifiers: ClinVar variation 1508346 (VCV001508346.7), dbSNP rs2130696913, ClinGen allele CA372681258.

ClinVar aggregate classification (germline): Uncertain significance. Review status: criteria provided, multiple submitters, no conflicts (2 of 4 stars). 2 submissions from 2 submitters: Uncertain significance (2). Last evaluated 2025-03-10.

Conditions:
Baller-Gerold syndrome (BGS). Also called: CRANIOSYNOSTOSIS WITH RADIAL DEFECTS. Identifiers: Orphanet 1225, MedGen C0265308, MONDO:0009039, OMIM 218600.
Inborn genetic diseases. Identifiers: MedGen C0950123, MeSH D030342.

Submissions (2):

Ambry Genetics
Classification: Uncertain significance for Inborn genetic diseases. Last evaluated: 2025-03-10. Review status: criteria provided, single submitter. Criteria: Ambry Variant Classification Scheme 2023. Collection method: clinical testing. Allele origin: germline.
Comment: The p.Q573R variant (also known as c.1718A>G), located in coding exon 11 of the RECQL4 gene, results from an A to G substitution at nucleotide position 1718. The glutamine at codon 573 is replaced by arginine, an amino acid with highly similar properties. This amino acid position is conserved. In addition, this alteration is predicted to be tolerated by in silico analysis. Based on the available evidence, the clinical significance of this variant remains unclear.

Labcorp Genetics (formerly Invitae), Labcorp
Classification: Uncertain significance for Baller-Gerold syndrome. Last evaluated: 2023-09-26. Review status: criteria provided, single submitter. Criteria: Invitae Variant Classification Sherloc (09022015). Collection method: clinical testing. Allele origin: germline.
Comment: This sequence change replaces glutamine, which is neutral and polar, with arginine, which is basic and polar, at codon 573 of the RECQL4 protein (p.Gln573Arg). In summary, the available evidence is currently insufficient to determine the role of this variant in disease. Therefore, it has been classified as a Variant of Uncertain Significance. Advanced modeling of protein sequence and biophysical properties (such as structural, functional, and spatial information, amino acid conservation, physicochemical variation, residue mobility, and thermodynamic stability) performed at Invitae indicates that this missense variant is not expected to disrupt RECQL4 protein function. ClinVar contains an entry for this variant (Variation ID: 1508346). This variant has not been reported in the literature in individuals affected with RECQL4-related conditions. This variant is not present in population databases (gnomAD no frequency).